The following is an entry in ClinVar:

ClinVar aggregate classification (germline): Uncertain significance (1 of 4 stars; one submission).

Conditions:
Angelman syndrome (AS). Also called: HAPPY PUPPET SYNDROME. Identifiers: Orphanet 72, MedGen C0162635, MONDO:0007113, OMIM 105830. Disease mechanism: loss of function. Inheritance: imprinting disorder, AS is caused by disruption of maternally imprinted UBE3A located within the 15q11.2-q13 Angelman syndrome/Prader-Willi syndrome (AS/PWS) region..

Submission:

Labcorp Genetics (formerly Invitae), Labcorp
Classification: Uncertain significance for Angelman syndrome. Last evaluated: 2023-05-30. Review status: criteria provided, single submitter. Criteria: Invitae Variant Classification Sherloc (09022015). Collection method: clinical testing. Allele origin: germline.
Comment: In summary, the available evidence is currently insufficient to determine the role of this variant in disease. Therefore, it has been classified as a Variant of Uncertain Significance. Advanced modeling of protein sequence and biophysical properties (such as structural, functional, and spatial information, amino acid conservation, physicochemical variation, residue mobility, and thermodynamic stability) performed at Invitae indicates that this missense variant is expected to disrupt UBE3A protein function. This variant has not been reported in the literature in individuals affected with UBE3A-related conditions. This variant is not present in population databases (gnomAD no frequency). This sequence change replaces leucine, which is neutral and non-polar, with arginine, which is basic and polar, at codon 414 of the UBE3A protein (p.Leu414Arg).

NM_130839.5(UBE3A):c.1301T>G (p.Leu434Arg)

Genes: SNHG14 (small nucleolar RNA host gene 14; plus strand), UBE3A (ubiquitin protein ligase E3A; minus strand). Cytogenetic location: 15q11.2.
Variant type: single nucleotide variant.
Coding change: c.1301T>G on transcript NM_130839.5 (MANE Select); coding-DNA position 1301, T replaced by G.
Protein change: p.Leu434Arg; replaces leucine 434 with arginine.
Molecular consequence: missense variant. On other transcripts: non-coding transcript variant (1), intron variant (2).
Genome position (GRCh38, 1-based): chr15:25,370,873, A>C on the plus strand (T>G on the coding strand, the complement: UBE3A is on the minus strand). VCF-style: chr15-25370873-A-C. GRCh37 (hg19) VCF-style: chr15-25616020-A-C.
Other names: c.1241T>G, p.Leu414Arg (NM_001354509.2, NM_001354511.2, NM_001354512.2 and 17 more transcripts); c.1301T>G, p.Leu434Arg (NM_001354538.2, NM_001354545.2, NM_001354505.1); c.301+4592T>G (NM_001354551.2); c.361+4592T>G (NM_001354550.2); c.1124T>G, p.Leu375Arg (NM_001354546.2); c.1310T>G, p.Leu437Arg (NM_000462.5); short protein forms L434R, L437R, L375R, L414R.
Identifiers: ClinVar variation 2749324 (VCV002749324.3), dbSNP rs2552191552, ClinGen allele CA391353915.
Genomic context (GRCh38, chr15:25,370,873, plus strand): 5'-ACCTCATTCAGTGGTTCATTAATAAACTCTTCAAAAGGGATAAGTGGTTTTCGACAATCC[A>C]GGGTTTTAACACCAAGTTCAGTTTCCAGGGGGTCCACTCGAGGACCTTTCTTGTTTCTTC-3'
Protein context (NP_570854.1, residues 424-444): PLETELGVKT[Leu434Arg]DCRKPLIPFE